The following is an entry in ClinVar:

ClinVar aggregate classification (germline): Uncertain significance. Review status: criteria provided, multiple submitters, no conflicts (2 of 4 stars). 3 submissions from 3 submitters: Uncertain significance (3). Last evaluated 2025-12-02.

Conditions:
Loeys-Dietz syndrome 2 (LDS2). Also called: TGFBR2-Related Loeys-Dietz Syndrome; AORTIC ANEURYSM, FAMILIAL THORACIC 3; MARFAN SYNDROME, TYPE II; Marfan Syndrome type 2; Marfan like connective tissue disorder; MFS 2. Identifiers: Orphanet 284973, Orphanet 558, MedGen C2674574, MONDO:0012427, OMIM 610168.
Familial thoracic aortic aneurysm and aortic dissection (TAAD). Also called: Thoracic aortic aneurysms and dissections. Identifiers: Orphanet 91387, MedGen C4707243, MONDO:0019625.

Allele frequency attached by ClinVar (database versions not stated): gnomAD exomes below 0.00001 and 0.00002; gnomAD 0.00001; ExAC 0.00002.
gnomAD v4.1: 7 of 1,614,094 alleles (0.00043%); highest among the groups gnomAD compares: East Asian, 0.0067%; no homozygotes.

Submissions (3):

Labcorp Genetics (formerly Invitae), Labcorp
Classification: Uncertain significance for Familial thoracic aortic aneurysm and aortic dissection. Last evaluated: 2025-12-02. Review status: criteria provided, single submitter. Criteria: Invitae Variant Classification Sherloc (09022015). Collection method: clinical testing. Allele origin: germline.
Comment: This sequence change replaces asparagine, which is neutral and polar, with serine, which is neutral and polar, at codon 506 of the TGFBR2 protein (p.Asn506Ser). This variant is present in population databases (rs780087626, gnomAD 0.02%). This missense change has been observed in individual(s) with aortopathy (PMID: 34498425). ClinVar contains an entry for this variant (Variation ID: 924169). Invitae Evidence Modeling of protein sequence and biophysical properties (such as structural, functional, and spatial information, amino acid conservation, physicochemical variation, residue mobility, and thermodynamic stability) indicates that this missense variant is not expected to disrupt TGFBR2 protein function with a negative predictive value of 95%. In summary, the available evidence is currently insufficient to determine the role of this variant in disease. Therefore, it has been classified as a Variant of Uncertain Significance.

All of Us Research Program, National Institutes of Health
Classification: Uncertain significance for Loeys-Dietz syndrome 2. Last evaluated: 2024-01-11. Review status: criteria provided, single submitter. Criteria: ACMG Guidelines, 2015. Collection method: clinical testing. Allele origin: germline. Inheritance: Autosomal dominant inheritance. Observed: 1 variant allele, 1 heterozygote.
Comment: Variant of Uncertain Significance due to insufficient evidence: This missense variant replaces asparagine with serine at codon 531 of the TGFBR2 protein. Computational prediction tools and conservation analyses suggest that this variant may not impact the protein function. Computational splicing tools suggest that this variant may not impact RNA splicing. To our knowledge, functional assays have not been performed for this variant nor has this variant been reported in individuals affected with cardiovascular disorders in the literature. This variant has been identified in 5/276684 chromosomes in the general population by the Genome Aggregation Database (gnomAD). Available evidence is insufficient to determine the role of this variant in disease conclusively.

This study involves interpretation of variants in research participants for the purpose of population health screening. Participant phenotype was not available at the time of variant classification. Additional details can be found in publication PMID: 35346344, PMCID: PMC8962531

Color Diagnostics, LLC DBA Color Health
Classification: Uncertain significance for Familial thoracic aortic aneurysm and aortic dissection. Last evaluated: 2023-12-05. Review status: criteria provided, single submitter. Criteria: ACMG Guidelines, 2015. Collection method: clinical testing. Allele origin: germline.
Comment: Variant of Uncertain Significance due to insufficient evidence: This missense variant replaces asparagine with serine at codon 531 of the TGFBR2 protein. Computational prediction tools and conservation analyses suggest that this variant may not impact the protein function. Computational splicing tools suggest that this variant may not impact RNA splicing. To our knowledge, functional assays have not been performed for this variant nor has this variant been reported in individuals affected with cardiovascular disorders in the literature. This variant has been identified in 5/276684 chromosomes in the general population by the Genome Aggregation Database (gnomAD). Available evidence is insufficient to determine the role of this variant in disease conclusively.

Literature cited by the submitters: PubMed 34498425 (cited by Labcorp Genetics (formerly Invitae), Labcorp).

NM_003242.6(TGFBR2):c.1517A>G (p.Asn506Ser)

Gene: TGFBR2 (transforming growth factor beta receptor 2; plus strand). Cytogenetic location: 3p24.1.
Variant type: single nucleotide variant.
Coding change: c.1517A>G on transcript NM_003242.6 (MANE Select); coding-DNA position 1517, A replaced by G.
Protein change: p.Asn506Ser; replaces asparagine 506 with serine.
Molecular consequence: missense variant.
Genome position (GRCh38, 1-based): chr3:30,688,504, A>G. VCF-style: chr3-30688504-A-G. GRCh37 (hg19) VCF-style: chr3-30729996-A-G.
Other names: c.1592A>G, p.Asn531Ser (NM_001024847.3); c.1700A>G, p.Asn567Ser (NM_001407126.1); c.1625A>G, p.Asn542Ser (NM_001407127.1); c.1544A>G, p.Asn515Ser (NM_001407128.1); c.647A>G, p.Asn216Ser (NM_001407139.1); c.1520A>G, p.Asn507Ser (NM_001407129.1); c.1514A>G, p.Asn505Ser (NM_001407130.1); c.1412A>G, p.Asn471Ser (NM_001407132.1, NM_001407133.1, NM_001407134.1 and 2 more transcripts); and 2 more; short protein forms N506S, N531S, N515S, N542S, N471S, N505S, N507S, N567S.
Identifiers: ClinVar variation 924169 (VCV000924169.10), dbSNP rs780087626, ClinGen allele CA046747.